The following is an entry in ClinVar:

ClinVar aggregate classification (germline): Uncertain significance (1 of 4 stars; one submission).

Conditions:
Cardiovascular phenotype. Identifiers: MedGen CN230736.

gnomAD v4.1: 35 of 1,614,080 alleles (0.0022%); highest among the groups gnomAD compares: Non-Finnish European, 0.0028%; no homozygotes.

Submission:

Ambry Genetics
Classification: Uncertain significance for Cardiovascular phenotype. Last evaluated: 2024-11-15. Review status: criteria provided, single submitter. Criteria: Ambry Variant Classification Scheme 2023. Collection method: clinical testing. Allele origin: germline.
Comment: The p.T387M variant (also known as c.1160C>T), located in coding exon 7 of the ACVRL1 gene, results from a C to T substitution at nucleotide position 1160. The threonine at codon 387 is replaced by methionine, an amino acid with similar properties. This amino acid position is not well conserved in available vertebrate species. In addition, the in silico prediction for this alteration is inconclusive. Based on the available evidence, the clinical significance of this variant remains unclear.

NM_000020.3(ACVRL1):c.1160C>T (p.Thr387Met)

Gene: ACVRL1 (activin A receptor like type 1; plus strand). Cytogenetic location: 12q13.13.
Variant type: single nucleotide variant.
Coding change: c.1160C>T on transcript NM_000020.3 (MANE Select); coding-DNA position 1160, C replaced by T.
Protein change: p.Thr387Met; replaces threonine 387 with methionine.
Molecular consequence: missense variant. On other transcripts: intron variant (1).
Genome position (GRCh38, 1-based): chr12:51,916,147, C>T. VCF-style: chr12-51916147-C-T. GRCh37 (hg19) VCF-style: chr12-52309931-C-T.
Other names: c.1160C>T, p.Thr387Met (NM_001077401.2, NM_001406487.1, NM_001406488.1 and 1 more transcripts); c.848C>T, p.Thr283Met (NM_001406490.1, NM_001406491.1, NM_001406492.1 and 1 more transcripts); c.596C>T, p.Thr199Met (NM_001406495.1); c.736+647C>T (NM_001406494.1); short protein forms T283M, T387M, T199M.
Identifiers: ClinVar variation 3485619 (VCV003485619.1).